The following is an entry in ClinVar:

NM_014425.5(INVS):c.2818C>G (p.Arg940Gly)

Gene: INVS (inversin; plus strand). Cytogenetic location: 9q31.1.
Variant type: single nucleotide variant.
Coding change: c.2818C>G on transcript NM_014425.5 (MANE Select); coding-DNA position 2818, C replaced by G.
Protein change: p.Arg940Gly; replaces arginine 940 with glycine.
Molecular consequence: missense variant. On other transcripts: non-coding transcript variant (1).
Genome position (GRCh38, 1-based): chr9:100,296,948, C>G. VCF-style: chr9-100296948-C-G. GRCh37 (hg19) VCF-style: chr9-103059230-C-G.
Other names: c.2530C>G, p.Arg844Gly (NM_001318381.2); c.1840C>G, p.Arg614Gly (NM_001318382.2); short protein forms R614G, R844G, R940G.
Identifiers: ClinVar variation 2094949 (VCV002094949.4), dbSNP rs116654016, ClinGen allele CA374245004.
Genomic context (GRCh38, chr9:100,296,948, plus strand): 5'-AAGCCTCTCCTCTCCTCTGACCCAACCAGCTACCAGCTCAGGAAGCACCTGTCCCACCTT[C>G]GGCATATGAAGCAGCTTGGAGCTGGAGATGTGGACAGATGGAGGCAAGAGTCTACAGCAT-3'
Protein context (NP_055240.2, residues 930-950): YQLRKHLSHL[Arg940Gly]HMKQLGAGDV

ClinVar aggregate classification (germline): Uncertain significance (1 of 4 stars; one submission).

Conditions:
Nephronophthisis. Also called: Juvenile Nephronophthisis. Identifiers: Orphanet 655, MedGen C0687120, MONDO:0019005, HP:0000090.

Submission:

Labcorp Genetics (formerly Invitae), Labcorp
Classification: Uncertain significance for Nephronophthisis. Last evaluated: 2022-05-27. Review status: criteria provided, single submitter. Criteria: Invitae Variant Classification Sherloc (09022015). Collection method: clinical testing. Allele origin: germline.
Comment: This sequence change replaces arginine, which is basic and polar, with glycine, which is neutral and non-polar, at codon 940 of the INVS protein (p.Arg940Gly). This variant is not present in population databases (gnomAD no frequency). This variant has not been reported in the literature in individuals affected with INVS-related conditions. Algorithms developed to predict the effect of missense changes on protein structure and function are either unavailable or do not agree on the potential impact of this missense change (SIFT: "Deleterious"; PolyPhen-2: "Benign"; Align-GVGD: "Class C0"). Algorithms developed to predict the effect of sequence changes on RNA splicing suggest that this variant may disrupt the consensus splice site. In summary, the available evidence is currently insufficient to determine the role of this variant in disease. Therefore, it has been classified as a Variant of Uncertain Significance.